The following is an entry in ClinVar:

ClinVar aggregate classification (germline): Uncertain significance. Review status: criteria provided, multiple submitters, no conflicts (2 of 4 stars). 2 submissions from 2 submitters: Uncertain significance (2). Last evaluated 2025-09-10.

Conditions:
Hereditary cancer-predisposing syndrome. Also called: Tumor predisposition; Neoplastic Syndromes, Hereditary; Hereditary Cancer Syndrome; Hereditary neoplastic syndrome. Identifiers: Orphanet 140162, MedGen C0027672, MeSH D009386, MONDO:0015356.
Gorlin syndrome. Also called: Basal cell nevus syndrome; Nevoid Basal Cell Carcinoma Syndrome. Identifiers: Orphanet 377, MedGen C0004779, MONDO:0007187.

Submissions (2):

Labcorp Genetics (formerly Invitae), Labcorp
Classification: Uncertain significance for Gorlin syndrome. Last evaluated: 2025-09-10. Review status: criteria provided, single submitter. Criteria: Invitae Variant Classification Sherloc (09022015). Collection method: clinical testing. Allele origin: germline.
Comment: This sequence change replaces valine, which is neutral and non-polar, with isoleucine, which is neutral and non-polar, at codon 806 of the PTCH1 protein (p.Val806Ile). This variant is not present in population databases (gnomAD no frequency). This variant has not been reported in the literature in individuals affected with PTCH1-related conditions. ClinVar contains an entry for this variant (Variation ID: 1064186). Invitae Evidence Modeling of protein sequence and biophysical properties (such as structural, functional, and spatial information, amino acid conservation, physicochemical variation, residue mobility, and thermodynamic stability) indicates that this missense variant is not expected to disrupt PTCH1 protein function with a negative predictive value of 95%. In summary, the available evidence is currently insufficient to determine the role of this variant in disease. Therefore, it has been classified as a Variant of Uncertain Significance.

Ambry Genetics
Classification: Uncertain significance for Hereditary cancer-predisposing syndrome. Last evaluated: 2025-07-28. Review status: criteria provided, single submitter. Criteria: Ambry Variant Classification Scheme 2023. Collection method: clinical testing. Allele origin: germline.
Comment: The p.V806I variant (also known as c.2416G>A), located in coding exon 15 of the PTCH1 gene, results from a G to A substitution at nucleotide position 2416. The valine at codon 806 is replaced by isoleucine, an amino acid with highly similar properties. This amino acid position is highly conserved in available vertebrate species. In addition, the in silico prediction for this alteration is inconclusive. Based on the available evidence, the clinical significance of this variant remains unclear.

NM_000264.5(PTCH1):c.2416G>A (p.Val806Ile)

Genes: PTCH1 (patched 1; minus strand), LOC100507346 (uncharacterized LOC100507346; plus strand). Cytogenetic location: 9q22.32.
Variant type: single nucleotide variant.
Coding change: c.2416G>A on transcript NM_000264.5 (MANE Select); coding-DNA position 2416, G replaced by A.
Protein change: p.Val806Ile; replaces valine 806 with isoleucine.
Molecular consequence: missense variant.
Genome position (GRCh38, 1-based): chr9:95,467,260, C>T on the plus strand (G>A on the coding strand, the complement: PTCH1 is on the minus strand). VCF-style: chr9-95467260-C-T. GRCh37 (hg19) VCF-style: chr9-98229542-C-T.
Other names: c.2218G>A, p.Val740Ile (NM_001083602.3); c.2413G>A, p.Val805Ile (NM_001083603.3); c.1963G>A, p.Val655Ile (NM_001083604.3, NM_001083605.3, NM_001083606.3 and 1 more transcripts); c.2260G>A, p.Val754Ile (NM_001354918.2); short protein forms V655I, V740I, V754I, V805I, V806I.
Identifiers: ClinVar variation 1064186 (VCV001064186.12), dbSNP rs2117961342, ClinGen allele CA374114270.